The following is an entry in ClinVar:

ClinVar aggregate classification (germline): Uncertain significance. Review status: criteria provided, multiple submitters, no conflicts (2 of 4 stars). 4 submissions from 4 submitters: Uncertain significance (4). Last evaluated 2025-07-11.

Conditions:
Autosomal dominant nonsyndromic hearing loss 1. Also called: KONIGSMARK SYNDROME; DEAFNESS, AUTOSOMAL DOMINANT 1, WITH OR WITHOUT THROMBOCYTOPENIA. Identifiers: Orphanet 90635, MedGen C1852282, MONDO:0007424, OMIM 124900.
Progressive microcephaly-seizures-cortical blindness-developmental delay syndrome. Also called: Seizures, cortical blindness, and microcephaly syndrome. Identifiers: Orphanet 477814, MedGen C5567650, MONDO:0014714, OMIM 616632.
Inborn genetic diseases. Identifiers: MedGen C0950123, MeSH D030342.

gnomAD v4.1: 17 of 1,552,492 alleles (0.0011%); highest among the groups gnomAD compares: South Asian, 0.0024%; no homozygotes.

Submissions (4):

GeneDx
Classification: Uncertain significance. Last evaluated: 2025-07-11. Review status: criteria provided, single submitter. Criteria: GeneDx Variant Classification Process June 2021. Collection method: clinical testing. Allele origin: germline.
Comment: In silico analysis suggests that this missense variant does not alter protein structure/function; Has not been previously published as pathogenic or benign to our knowledge

Labcorp Genetics (formerly Invitae), Labcorp
Classification: Uncertain significance for Progressive microcephaly-seizures-cortical blindness-developmental delay syndrome; Autosomal dominant nonsyndromic hearing loss 1. Last evaluated: 2025-07-06. Review status: criteria provided, single submitter. Criteria: Invitae Variant Classification Sherloc (09022015). Collection method: clinical testing. Allele origin: germline.
Comment: This sequence change replaces proline, which is neutral and non-polar, with alanine, which is neutral and non-polar, at codon 643 of the DIAPH1 protein (p.Pro643Ala). This variant is present in population databases (rs768458531, gnomAD 0.004%). This variant has not been reported in the literature in individuals affected with DIAPH1-related conditions. ClinVar contains an entry for this variant (Variation ID: 2314498). Experimental studies and prediction algorithms are not available or were not evaluated, and the functional significance of this variant is currently unknown. In summary, the available evidence is currently insufficient to determine the role of this variant in disease. Therefore, it has been classified as a Variant of Uncertain Significance.

Women's Health and Genetics/Laboratory Corporation of America, LabCorp
Classification: Uncertain significance. Last evaluated: 2023-03-27. Review status: criteria provided, single submitter. Criteria: LabCorp Variant Classification Summary - May 2015. Collection method: clinical testing. Allele origin: germline.
Comment: Variant summary: DIAPH1 c.1927C>G (p.Pro643Ala) results in a non-conservative amino acid change in the encoded protein sequence. Four of five in-silico tools predict a damaging effect of the variant on protein function. The variant allele was found at a frequency of 1.3e-05 in 157296 control chromosomes (gnomAD). The available data on variant occurrences in the general population are insufficient to allow any conclusion about variant significance. To our knowledge, no occurrence of c.1927C>G in individuals affected with Seizures, Cortical Blindness, And Microcephaly Syndrome and no experimental evidence demonstrating its impact on protein function have been reported. One clinical diagnostic laboratory has submitted clinical-significance assessments for this variant to ClinVar after 2014 and classified the variant as uncertain significance. Based on the evidence outlined above, the variant was classified as uncertain significance.

Ambry Genetics
Classification: Uncertain significance for Inborn genetic diseases. Last evaluated: 2022-09-29. Review status: criteria provided, single submitter. Criteria: Ambry Variant Classification Scheme 2023. Collection method: clinical testing. Allele origin: germline.

NM_005219.5(DIAPH1):c.1927C>G (p.Pro643Ala)

Gene: DIAPH1 (diaphanous related formin 1; minus strand). Cytogenetic location: 5q31.3.
Variant type: single nucleotide variant.
Coding change: c.1927C>G on transcript NM_005219.5 (MANE Select); coding-DNA position 1927, C replaced by G.
Protein change: p.Pro643Ala; replaces proline 643 with alanine.
Molecular consequence: missense variant.
Genome position (GRCh38, 1-based): chr5:141,573,923, G>C on the plus strand (C>G on the coding strand, the complement: DIAPH1 is on the minus strand). VCF-style: chr5-141573923-G-C. GRCh37 (hg19) VCF-style: chr5-140953490-G-C.
Other names: c.1900C>G, p.Pro634Ala (NM_001079812.3); c.1927C>G, p.Pro643Ala (NM_001314007.2); short protein forms P643A, P634A.
Identifiers: ClinVar variation 2314498 (VCV002314498.8), dbSNP rs768458531, ClinGen allele CA3479189.
Genomic context (GRCh38, chr5:141,573,923, plus strand): 5'-TGCCAACACCCTCAGGCAAAGGAGGGGGTGGAGGGATGGTAGCATCCCCAGACAAAGGAG[G>C]GGGTGGAGAGATAGCAGTACCTCCAGGTAAAGAAGGGGGTGAGGAGATGCAAACACCCCC-3'
Protein context (NP_005210.3, residues 633-653): LPGGTAISPP[Pro643Ala]PLSGDATIPP